The following is an entry in ClinVar:

NM_001040108.2(MLH3):c.553A>G (p.Ile185Val)

Gene: MLH3 (mutL homolog 3; minus strand). Cytogenetic location: 14q24.3.
Variant type: single nucleotide variant.
Coding change: c.553A>G on transcript NM_001040108.2 (MANE Select); coding-DNA position 553, A replaced by G.
Protein change: p.Ile185Val; replaces isoleucine 185 with valine.
Molecular consequence: missense variant.
Genome position (GRCh38, 1-based): chr14:75,049,103, T>C on the plus strand (A>G on the coding strand, the complement: MLH3 is on the minus strand). VCF-style: chr14-75049103-T-C. GRCh37 (hg19) VCF-style: chr14-75515806-T-C.
Other names: c.553A>G, p.Ile185Val (NM_014381.3); short protein forms I185V.
Identifiers: ClinVar variation 1748181 (VCV001748181.4), dbSNP rs1262372363, ClinGen allele CA390449907.

ClinVar aggregate classification (germline): Uncertain significance. Review status: criteria provided, multiple submitters, no conflicts (2 of 4 stars). 2 submissions from 2 submitters: Uncertain significance (2). Last evaluated 2025-12-29.

Conditions:
Colorectal cancer, hereditary nonpolyposis, type 7. Identifiers: Orphanet 144, MedGen C1858380, MONDO:0013725, OMIM 614385.

Submissions (2):

Labcorp Genetics (formerly Invitae), Labcorp
Classification: Uncertain significance for Colorectal cancer, hereditary nonpolyposis, type 7. Last evaluated: 2025-12-29. Review status: criteria provided, single submitter. Criteria: Invitae Variant Classification Sherloc (09022015). Collection method: clinical testing. Allele origin: germline.
Comment: This sequence change replaces isoleucine, which is neutral and non-polar, with valine, which is neutral and non-polar, at codon 185 of the MLH3 protein (p.Ile185Val). This variant is present in population databases (no rsID available, gnomAD 0.0009%). This variant has not been reported in the literature in individuals affected with MLH3-related conditions. ClinVar contains an entry for this variant (Variation ID: 1748181). An algorithm developed to predict the effect of missense changes on protein structure and function outputs the following: PolyPhen-2: "Benign". The valine amino acid residue is found in multiple mammalian species, which suggests that this missense change does not adversely affect protein function. In summary, the available evidence is currently insufficient to determine the role of this variant in disease. Therefore, it has been classified as a Variant of Uncertain Significance.

Ambry Genetics
Classification: Uncertain significance. Last evaluated: 2024-11-20. Review status: criteria provided, single submitter. Criteria: Ambry Variant Classification Scheme 2023. Collection method: clinical testing. Allele origin: germline.
Comment: The p.I185V variant (also known as c.553A>G), located in coding exon 1 of the MLH3 gene, results from an A to G substitution at nucleotide position 553. The isoleucine at codon 185 is replaced by valine, an amino acid with highly similar properties. This amino acid position is not well conserved in available vertebrate species. In addition, this alteration is predicted to be tolerated by in silico analysis. Since supporting evidence is limited at this time, the clinical significance of this alteration remains unclear.